The following is an entry in ClinVar:

ClinVar aggregate classification (germline): Benign. Review status: criteria provided, multiple submitters, no conflicts (2 of 4 stars). 5 submissions from 5 submitters: Benign (5). Last evaluated 2026-02-01.

Allele frequency attached by ClinVar (database versions not stated): gnomAD exomes 0.12222; ExAC 0.12846; 1000 Genomes Project 0.15575; 1000 Genomes Project 30x 0.16224; gnomAD 0.17478 and 0.18064; TOPMed 0.18473; ESP Exome Variant Server 0.18822.
gnomAD v4.1: 182,657 of 1,525,110 alleles (12%); highest among the groups gnomAD compares: African/African-American, 32%; 13,323 homozygotes.

Submissions (17):

Labcorp Genetics (formerly Invitae), Labcorp
Classification: Benign. Last evaluated: 2026-02-01. Review status: criteria provided, single submitter. Criteria: Invitae Variant Classification Sherloc (09022015). Collection method: clinical testing. Allele origin: germline.

Blueprint Genetics
Classification: Benign. Last evaluated: 2024-11-26. Review status: criteria provided, single submitter. Criteria: ACMG Guidelines, 2015. Collection method: clinical testing. Allele origin: germline.

Mayo Clinic Laboratories, Mayo Clinic
Classification: Benign. Last evaluated: 2022-10-27. Review status: criteria provided, single submitter. Criteria: ACMG Guidelines, 2015. Collection method: clinical testing. Allele origin: germline. Observed: 75 variant alleles.

GeneDx
Classification: Benign. Last evaluated: 2013-09-17. Review status: criteria provided, single submitter. Criteria: GeneDx Variant Classification (06012015). Collection method: clinical testing. Allele origin: germline. Affected: yes.
Comment: This variant is considered likely benign or benign based on one or more of the following criteria: it is a conservative change, it occurs at a poorly conserved position in the protein, it is predicted to be benign by multiple in silico algorithms, and/or has population frequency not consistent with disease.

Breakthrough Genomics
Classification: Benign. Review status: criteria provided, single submitter. Criteria: ACMG Guidelines, 2015. Collection method: not provided. Allele origin: germline. Inheritance: Autosomal recessive inheritance. Affected: yes.

Dr. Peter K. Rogan Lab, Western University
No classification provided (evidence only). Condition: Squamous cell carcinoma of the head and neck. Review status: no classification provided. Collection method: in vitro. Allele origin: not applicable. Functional consequence: retained intron. Not counted in ClinVar's aggregate classification.

Dr. Peter K. Rogan Lab, Western University
No classification provided (evidence only). Condition: Malignant lymphoma, large B-cell, diffuse. Review status: no classification provided. Collection method: in vitro. Allele origin: not applicable. Functional consequence: retained intron. Not counted in ClinVar's aggregate classification.

Dr. Peter K. Rogan Lab, Western University
No classification provided (evidence only). Condition: Malignant lymphoma, large B-cell, diffuse. Review status: no classification provided. Collection method: in vitro. Allele origin: not applicable. Functional consequence: retained intron. Not counted in ClinVar's aggregate classification.

Dr. Peter K. Rogan Lab, Western University
No classification provided (evidence only). Condition: Cholangiocarcinoma. Review status: no classification provided. Collection method: in vitro. Allele origin: not applicable. Functional consequence: retained intron. Not counted in ClinVar's aggregate classification.

Dr. Peter K. Rogan Lab, Western University
No classification provided (evidence only). Condition: Cholangiocarcinoma. Review status: no classification provided. Collection method: in vitro. Allele origin: not applicable. Functional consequence: retained intron. Not counted in ClinVar's aggregate classification.

Dr. Peter K. Rogan Lab, Western University
No classification provided (evidence only). Condition: Cholangiocarcinoma. Review status: no classification provided. Collection method: in vitro. Allele origin: not applicable. Functional consequence: retained intron. Not counted in ClinVar's aggregate classification.

Dr. Peter K. Rogan Lab, Western University
No classification provided (evidence only). Condition: Germ cell tumor of testis. Review status: no classification provided. Collection method: in vitro. Allele origin: not applicable. Functional consequence: retained intron. Not counted in ClinVar's aggregate classification.

Dr. Peter K. Rogan Lab, Western University
No classification provided (evidence only). Condition: Uterine carcinosarcoma. Review status: no classification provided. Collection method: in vitro. Allele origin: not applicable. Functional consequence: retained intron. Not counted in ClinVar's aggregate classification.

Dr. Peter K. Rogan Lab, Western University
No classification provided (evidence only). Condition: Uterine carcinosarcoma. Review status: no classification provided. Collection method: in vitro. Allele origin: not applicable. Functional consequence: retained intron. Not counted in ClinVar's aggregate classification.

Dr. Peter K. Rogan Lab, Western University
No classification provided (evidence only). Condition: Uveal melanoma. Review status: no classification provided. Collection method: in vitro. Allele origin: not applicable. Functional consequence: retained intron. Not counted in ClinVar's aggregate classification.

Dr. Peter K. Rogan Lab, Western University
No classification provided (evidence only). Condition: Uveal melanoma. Review status: no classification provided. Collection method: in vitro. Allele origin: not applicable. Functional consequence: retained intron. Not counted in ClinVar's aggregate classification.

Dr. Peter K. Rogan Lab, Western University
No classification provided (evidence only). Condition: Uveal melanoma. Review status: no classification provided. Collection method: in vitro. Allele origin: not applicable. Functional consequence: retained intron. Not counted in ClinVar's aggregate classification.

NM_032380.5(GFM2):c.191A>G (p.Asn64Ser)

Gene: GFM2 (GTP dependent ribosome recycling factor mitochondrial 2; minus strand). Cytogenetic location: 5q13.3.
Variant type: single nucleotide variant.
Coding change: c.191A>G on transcript NM_032380.5 (MANE Select); coding-DNA position 191, A replaced by G.
Protein change: p.Asn64Ser; replaces asparagine 64 with serine.
Molecular consequence: missense variant. On other transcripts: non-coding transcript variant (1).
Genome position (GRCh38, 1-based): chr5:74,759,384, T>C on the plus strand (A>G on the coding strand, the complement: GFM2 is on the minus strand). VCF-style: chr5-74759384-T-C. GRCh37 (hg19) VCF-style: chr5-74055209-T-C.
Other names: p.N64S:AAT>AGT; c.287A>G, p.Asn96Ser (NM_001281302.2); c.191A>G, p.Asn64Ser (NM_170681.3, NM_170691.3); short protein forms N64S, N96S.
Identifiers: ClinVar variation 137481 (VCV000137481.14), dbSNP rs957680, ClinGen allele CA291089.